The following is an entry in ClinVar:

ClinVar aggregate classification (germline): Likely pathogenic (1 of 4 stars; one submission).

Allele frequency attached by ClinVar (database versions not stated): ExAC 0.00001; gnomAD exomes 0.00001; gnomAD 0.00002; TOPMed 0.00002; ESP Exome Variant Server 0.00008.
gnomAD v4.1: 19 of 1,606,694 alleles (0.0012%); highest among the groups gnomAD compares: Non-Finnish European, 0.0016%; no homozygotes.

Submissions (2):

Labcorp Genetics (formerly Invitae), Labcorp
Classification: Likely pathogenic. Last evaluated: 2022-05-03. Review status: criteria provided, single submitter. Criteria: Invitae Variant Classification Sherloc (09022015). Collection method: clinical testing. Allele origin: germline.
Comment: This sequence change affects a donor splice site in intron 8 of the POC1A gene. It is expected to disrupt RNA splicing. Variants that disrupt the donor or acceptor splice site typically lead to a loss of protein function (PMID: 16199547), and loss-of-function variants in POC1A are known to be pathogenic (PMID: 22840364, 26336158, 26374189). This variant is present in population databases (rs146848374, gnomAD 0.002%). This variant has not been reported in the literature in individuals affected with POC1A-related conditions. Algorithms developed to predict the effect of sequence changes on RNA splicing suggest that this variant may disrupt the consensus splice site. In summary, the currently available evidence indicates that the variant is pathogenic, but additional data are needed to prove that conclusively. Therefore, this variant has been classified as Likely Pathogenic.

Dr. Peter K. Rogan Lab, Western University
No classification provided (evidence only). Condition: Cervical cancer. Review status: no classification provided. Collection method: in vitro. Allele origin: not applicable. Functional consequence: skipped exon, retained intron. Not counted in ClinVar's aggregate classification.

Literature cited by the submitters: PubMed 16199547 (cited by Labcorp Genetics (formerly Invitae), Labcorp); PubMed 22840364 (cited by Labcorp Genetics (formerly Invitae), Labcorp); PubMed 26336158 (cited by Labcorp Genetics (formerly Invitae), Labcorp); PubMed 26374189 (cited by Labcorp Genetics (formerly Invitae), Labcorp).

NM_015426.5(POC1A):c.882+1G>A

Gene: POC1A (POC1 centriolar protein A; minus strand). Cytogenetic location: 3p21.2.
Variant type: single nucleotide variant.
Coding change: c.882+1G>A on transcript NM_015426.5 (MANE Select); the canonical splice donor site of the intron after coding-DNA position 882, G replaced by A.
Molecular consequence: splice donor variant.
Genome position (GRCh38, 1-based): chr3:52,125,112, C>T on the plus strand (G>A on the coding strand, the complement: POC1A is on the minus strand). VCF-style: chr3-52125112-C-T. GRCh37 (hg19) VCF-style: chr3-52159128-C-T.
Other names: c.882+1G>A (NM_001161580.2); c.768+1G>A (NM_001161581.2).
Identifiers: ClinVar variation 1945579 (VCV001945579.6), dbSNP rs146848374, ClinGen allele CA2429473.